The following is an entry in ClinVar:

ClinVar aggregate classification (germline): Likely benign. Review status: criteria provided, multiple submitters, no conflicts (2 of 4 stars). 2 submissions from 2 submitters: Likely benign (2). Last evaluated 2024-09-01.

Conditions:
Dystonic disorder. Also called: Dystonia. Identifiers: MedGen C0013421, MONDO:0003441, HP:0001332.

gnomAD v4.1: 25 of 1,614,084 alleles (0.0015%); highest among the groups gnomAD compares: Middle Eastern, 0.016%; no homozygotes.

Submissions (2):

CeGaT Center for Human Genetics Tuebingen
Classification: Likely benign. Last evaluated: 2024-09-01. Review status: criteria provided, single submitter. Criteria: CeGaT Center For Human Genetics Tuebingen Variant Classification Criteria Version 2. Collection method: clinical testing. Allele origin: germline. Affected: yes. Observed: 1 variant allele.
Comment: DRD2: BP4, BP7

Labcorp Genetics (formerly Invitae), Labcorp
Classification: Likely benign for Dystonic disorder. Last evaluated: 2024-02-06. Review status: criteria provided, single submitter. Criteria: Invitae Variant Classification Sherloc (09022015). Collection method: clinical testing. Allele origin: germline.

NM_000795.4(DRD2):c.87G>A (p.Ala29=)

Gene: DRD2 (dopamine receptor D2; minus strand). Cytogenetic location: 11q23.2.
Variant type: single nucleotide variant.
Coding change: c.87G>A on transcript NM_000795.4 (MANE Select); coding-DNA position 87, G replaced by A.
Protein change: p.Ala29=; no amino-acid change (alanine 29 retained).
Molecular consequence: synonymous variant.
Genome position (GRCh38, 1-based): chr11:113,424,565, C>T on the plus strand (G>A on the coding strand, the complement: DRD2 is on the minus strand). VCF-style: chr11-113424565-C-T. GRCh37 (hg19) VCF-style: chr11-113295287-C-T.
Other names: c.87G>A, p.Ala29= (NM_016574.4).
Identifiers: ClinVar variation 3388246 (VCV003388246.16).